The following is an entry in ClinVar:

ClinVar aggregate classification (germline): Likely benign (0 of 4 stars; one submission).

Conditions:
SS18L1-related disorder. Also called: SS18L1-related condition.

Allele frequency attached by ClinVar (database versions not stated): ExAC 0.00013; gnomAD 0.00013; TOPMed 0.00013; 1000 Genomes Project 30x 0.00016; 1000 Genomes Project 0.00020; ESP Exome Variant Server 0.00031.
gnomAD v4.1: 389 of 1,612,958 alleles (0.024%); highest among the groups gnomAD compares: Non-Finnish European, 0.032%; no homozygotes.

Submission:

PreventionGenetics, part of Exact Sciences
Classification: Likely benign for SS18L1-related condition. Last evaluated: 2019-06-11. Review status: no assertion criteria provided. Collection method: clinical testing. Allele origin: germline.
Comment: This variant is classified as likely benign based on ACMG/AMP sequence variant interpretation guidelines (Richards et al. 2015 PMID: 25741868, with internal and published modifications).

NM_198935.3(SS18L1):c.144G>A (p.Thr48=)

Gene: SS18L1 (SS18L1 subunit of BAF chromatin remodeling complex; plus strand). Cytogenetic location: 20q13.33.
Variant type: single nucleotide variant.
Coding change: c.144G>A on transcript NM_198935.3 (MANE Select); coding-DNA position 144, G replaced by A.
Protein change: p.Thr48=; no amino-acid change (threonine 48 retained).
Molecular consequence: synonymous variant. On other transcripts: non-coding transcript variant (2), 5 prime UTR variant (1).
Genome position (GRCh38, 1-based): chr20:62,158,746, G>A. VCF-style: chr20-62158746-G-A. GRCh37 (hg19) VCF-style: chr20-60733802-G-A.
Other names: c.-170G>A (NM_001301778.2).
Identifiers: ClinVar variation 3034284 (VCV003034284.2), dbSNP rs115634416, ClinGen allele CA9936908.